The following is an entry in ClinVar:

NM_001447.3(FAT2):c.10015G>A (p.Val3339Ile)

Genes: FAT2 (FAT atypical cadherin 2; minus strand), SLC36A1 (solute carrier family 36 member 1; plus strand). Cytogenetic location: 5q33.1.
Variant type: single nucleotide variant.
Coding change: c.10015G>A on transcript NM_001447.3 (MANE Select); coding-DNA position 10015, G replaced by A.
Protein change: p.Val3339Ile; replaces valine 3339 with isoleucine.
Molecular consequence: missense variant.
Genome position (GRCh38, 1-based): chr5:151,529,189, C>T on the plus strand (G>A on the coding strand, the complement: FAT2 is on the minus strand). VCF-style: chr5-151529189-C-T. GRCh37 (hg19) VCF-style: chr5-150908750-C-T.
Other names: c.10015G>A (NM_001447.2); short protein forms V3339I.
Identifiers: ClinVar variation 2058597 (VCV002058597.6), dbSNP rs114070271, ClinGen allele CA3520405.

ClinVar aggregate classification (germline): Likely benign. Review status: criteria provided, single submitter (1 of 4 stars). 2 submissions from 2 submitters: Likely benign (1). 1 of the submissions does not count toward it. Last evaluated 2025-11-10.

Conditions:
FAT2-related disorder. Also called: FAT2-related condition.

Allele frequency attached by ClinVar (database versions not stated): gnomAD exomes 0.00012; ExAC 0.00040; 1000 Genomes Project 30x 0.00094; 1000 Genomes Project 0.00100; gnomAD 0.00125; TOPMed 0.00128; ESP Exome Variant Server 0.00208.
gnomAD v4.1: 368 of 1,614,010 alleles (0.023%); highest among the groups gnomAD compares: African/African-American, 0.42%; 1 homozygote.

Submissions (2):

Labcorp Genetics (formerly Invitae), Labcorp
Classification: Likely benign. Last evaluated: 2025-11-10. Review status: criteria provided, single submitter. Criteria: Invitae Variant Classification Sherloc (09022015). Collection method: clinical testing. Allele origin: germline.

PreventionGenetics, part of Exact Sciences
Classification: Likely benign for FAT2-related condition. Last evaluated: 2019-11-25. Review status: no assertion criteria provided. Collection method: clinical testing. Allele origin: germline. Not counted in ClinVar's aggregate classification.
Comment: This variant is classified as likely benign based on ACMG/AMP sequence variant interpretation guidelines (Richards et al. 2015 PMID: 25741868, with internal and published modifications).